The following is an entry in ClinVar:

ClinVar aggregate classification (germline): Pathogenic (1 of 4 stars; one submission).

Allele frequency attached by ClinVar (database versions not stated): gnomAD exomes below 0.00001; TOPMed 0.00005; gnomAD 0.00006.
gnomAD v4.1: 14 of 1,614,046 alleles (0.00087%); highest among the groups gnomAD compares: African/African-American, 0.012%; no homozygotes.

Submission:

GeneDx
Classification: Pathogenic. Last evaluated: 2024-05-15. Review status: criteria provided, single submitter. Criteria: GeneDx Variant Classification Process June 2021. Collection method: clinical testing. Allele origin: germline. Affected: yes.
Comment: Canonical splice site variant predicted to result in a null allele in a gene for which loss-of-function is a known mechanism of disease; Has not been previously published as pathogenic or benign to our knowledge

NM_014865.4(NCAPD2):c.3964+2T>C

Gene: NCAPD2 (non-SMC condensin I complex subunit D2; plus strand). Cytogenetic location: 12p13.31.
Variant type: single nucleotide variant.
Coding change: c.3964+2T>C on transcript NM_014865.4 (MANE Select); the canonical splice donor site of the intron after coding-DNA position 3964, T replaced by C.
Molecular consequence: splice donor variant.
Genome position (GRCh38, 1-based): chr12:6,530,819, T>C. VCF-style: chr12-6530819-T-C. GRCh37 (hg19) VCF-style: chr12-6639985-T-C.
Identifiers: ClinVar variation 1711943 (VCV001711943.3), dbSNP rs1486054986, ClinGen allele CA383598186.